The following is an entry in ClinVar:

ClinVar aggregate classification (germline): Conflicting classifications of pathogenicity. Review status: criteria provided, conflicting classifications (1 of 4 stars). 6 submissions from 6 submitters: Uncertain significance (3); Likely benign (2). 1 of the submissions does not count toward it. Last evaluated 2026-01-21.

Conditions:
USH2A-related disorder. Also called: USH2A-related condition; USH2A-related disorders. Identifiers: MedGen CN239332.
Usher syndrome type 2A. Also called: USHER SYNDROME, TYPE IIA; RETINAL DISEASE IN USHER SYNDROME TYPE IIA, MODIFIER OF. Identifiers: Orphanet 231178, Orphanet 886, MedGen C1848634, MONDO:0010169, OMIM 276901.
Retinitis pigmentosa 39 (RP39). Identifiers: Orphanet 791, MedGen C3151138, MONDO:0013436, OMIM 613809.

Allele frequency attached by ClinVar (database versions not stated): gnomAD 0.00005 and 0.00009; TOPMed 0.00009; 1000 Genomes Project 0.00060; 1000 Genomes Project 30x 0.00078.
gnomAD v4.1: 201 of 1,613,466 alleles (0.012%); highest among the groups gnomAD compares: South Asian, 0.08%; 2 homozygotes.

Submissions (6):

PreventionGenetics, part of Exact Sciences
Classification: Uncertain significance for USH2A-related condition. Last evaluated: 2026-01-21. Review status: criteria provided, single submitter. Criteria: ACMG Guidelines, 2015. Collection method: clinical testing. Allele origin: germline.
Comment: The USH2A c.1448C>T variant is predicted to result in the amino acid substitution p.Thr483Met. This variant was reported along with a second USH2A variant in an individual with Usher syndrome (Table S4, Sun et al. 2018. PubMed ID: 29625443) and in the heterozygous state in an individual with retinitis pigmentosa, however information whether a second variant was observed was not provided (patient RP383, Table S4, Xu et al. 2014. PubMed ID: 24938718). This variant is reported in 0.059% of alleles in individuals of South Asian descent in gnomAD, including two homozygotes. At this time, the clinical significance of this variant is uncertain due to the absence of conclusive functional and genetic evidence.

Labcorp Genetics (formerly Invitae), Labcorp
Classification: Likely benign. Last evaluated: 2025-11-16. Review status: criteria provided, single submitter. Criteria: Invitae Variant Classification Sherloc (09022015). Collection method: clinical testing. Allele origin: germline.

GeneDx
Classification: Uncertain significance. Last evaluated: 2025-05-02. Review status: criteria provided, single submitter. Criteria: GeneDx Variant Classification Process June 2021. Collection method: clinical testing. Allele origin: germline. Affected: yes.
Comment: In silico analysis supports that this missense variant has a deleterious effect on protein structure/function; This variant is associated with the following publications: (PMID: 24938718, 29625443)

Blueprint Genetics
Classification: Likely benign. Last evaluated: 2024-10-08. Review status: criteria provided, single submitter. Criteria: ACMG Guidelines, 2015. Collection method: clinical testing. Allele origin: germline.

Laboratory for Molecular Medicine, Mass General Brigham Personalized Medicine
Classification: Uncertain significance. Last evaluated: 2015-05-12. Review status: criteria provided, single submitter. Criteria: LMM Criteria. Collection method: clinical testing. Allele origin: germline. Observed: 2 variant alleles.
Comment: Variant classified as Uncertain Significance - Favor Benign. Furthermor e, this variant has been identified in 0.1% (11/16510) of South Asian chromosome s by the Exome Aggregation Consortium (ExAC; dbS NP rs201847741). Computational prediction tools and conservation analyses do not provide strong support for or against an impact to the protein. In summary, whi le the clinical significance of the p.Thr483Met variant is uncertain, available data suggest that it is more likely to be benign.

Counsyl
Classification: Uncertain significance for Usher syndrome type 2A; Retinitis pigmentosa 39. Last evaluated: 2017-05-01. Review status: no assertion criteria provided. Collection method: clinical testing. Allele origin: unknown. Not counted in ClinVar's aggregate classification.

Literature cited by the submitters: PubMed 24938718 (cited by Laboratory for Molecular Medicine, Mass General Brigham Personalized Medicine).

NM_206933.4(USH2A):c.1448C>T (p.Thr483Met)

Gene: USH2A (usherin; minus strand). Cytogenetic location: 1q41.
Variant type: single nucleotide variant.
Coding change: c.1448C>T on transcript NM_206933.4 (MANE Select); coding-DNA position 1448, C replaced by T.
Protein change: p.Thr483Met; replaces threonine 483 with methionine.
Molecular consequence: missense variant.
Genome position (GRCh38, 1-based): chr1:216,323,576, G>A on the plus strand (C>T on the coding strand, the complement: USH2A is on the minus strand). VCF-style: chr1-216323576-G-A. GRCh37 (hg19) VCF-style: chr1-216496918-G-A.
Other names: c.1448C>T, p.Thr483Met (NM_007123.6); short protein forms T483M.
Identifiers: ClinVar variation 179193 (VCV000179193.20), dbSNP rs201847741, ClinGen allele CA183926.
Genomic context (GRCh38, chr1:216,323,576, plus strand): 5'-CTGAGGTTAACAGCAGTCTCAGTTGTATAGTACTGCCCATGAAAATGAAACCTTATTTGC[G>A]TGGCTTTTACGAACTCTTGAAGAGATGGGGTATTATAGAAGTTATTGTATCCAGGACGAT-3'
Protein context (NP_996816.3, residues 473-493): TPSLQEFVKA[Thr483Met]QIRFHFHGQY